The following is an entry in ClinVar:

NM_003079.5(SMARCE1):c.328G>T (p.Glu110Ter)

Gene: SMARCE1 (SWI/SNF related BAF chromatin remodeling complex subunit E1; minus strand). Cytogenetic location: 17q21.2.
Variant type: single nucleotide variant.
Coding change: c.328G>T on transcript NM_003079.5 (MANE Select); coding-DNA position 328, G replaced by T.
Protein change: p.Glu110Ter; replaces glutamic acid 110 with a stop codon.
Molecular consequence: nonsense.
Genome position (GRCh38, 1-based): chr17:40,636,436, C>A on the plus strand (G>T on the coding strand, the complement: SMARCE1 is on the minus strand). VCF-style: chr17-40636436-C-A. GRCh37 (hg19) VCF-style: chr17-38792688-C-A.
Other names: short protein forms E110*.
Identifiers: ClinVar variation 1460319 (VCV001460319.8), dbSNP rs2143997316, ClinGen allele CA399367132.

ClinVar aggregate classification (germline): Pathogenic. Review status: criteria provided, multiple submitters, no conflicts (2 of 4 stars). 2 submissions from 2 submitters: Pathogenic (2). Last evaluated 2022-09-13.

Conditions:
Familial meningioma. Also called: Meningioma, familial, susceptibility to. Identifiers: Orphanet 263662, MedGen C3551915, MONDO:0011789, OMIM 607174.
Hereditary cancer-predisposing syndrome. Also called: Tumor predisposition; Hereditary neoplastic syndrome; Hereditary Cancer Syndrome; Neoplastic Syndromes, Hereditary. Identifiers: Orphanet 140162, MedGen C0027672, MeSH D009386, MONDO:0015356.

Submissions (2):

Ambry Genetics
Classification: Pathogenic for Hereditary cancer-predisposing syndrome. Last evaluated: 2022-09-13. Review status: criteria provided, single submitter. Criteria: Ambry Variant Classification Scheme 2023. Collection method: clinical testing. Allele origin: germline.
Comment: The p.E110* pathogenic mutation (also known as c.328G>T), located in coding exon 5 of the SMARCE1 gene, results from a G to T substitution at nucleotide position 328. This changes the amino acid from a glutamic acid to a stop codon within coding exon 5. This alteration is expected to result in loss of function by premature protein truncation or nonsense-mediated mRNA decay. Loss-of-function variants in SMARCE1 are known to cause increased risk of meningiomas; however, such associations with neurodevelopmental disorders are exceedingly rare (Kosho T et al. Am J Med Genet C Semin Med Genet. 2014 Sep;166C(3):262-75; Smith JM et al. Nat Genet. 2013 Mar;45(3):295-8). Based on the supporting evidence, this alteration is pathogenic for an increased risk of meningiomas; however, the association of this alteration with an increased risk of Coffin-Siris syndrome is unlikely.

Labcorp Genetics (formerly Invitae), Labcorp
Classification: Pathogenic for Familial meningioma. Last evaluated: 2021-11-05. Review status: criteria provided, single submitter. Criteria: Invitae Variant Classification Sherloc (09022015). Collection method: clinical testing. Allele origin: germline.
Comment: For these reasons, this variant has been classified as Pathogenic. This variant has not been reported in the literature in individuals affected with SMARCE1-related conditions. This variant is not present in population databases (gnomAD no frequency). This sequence change creates a premature translational stop signal (p.Glu110*) in the SMARCE1 gene. It is expected to result in an absent or disrupted protein product. Loss-of-function variants in SMARCE1 are known to be pathogenic (PMID: 23377182).

Literature cited by the submitters: PubMed 23377182 (cited by Labcorp Genetics (formerly Invitae), Labcorp).